The following is an entry in ClinVar:

NM_032119.4(ADGRV1):c.1618A>T (p.Ser540Cys)

Gene: ADGRV1 (adhesion G protein-coupled receptor V1; plus strand). Cytogenetic location: 5q14.3.
Variant type: single nucleotide variant.
Coding change: c.1618A>T on transcript NM_032119.4 (MANE Select); coding-DNA position 1618, A replaced by T.
Protein change: p.Ser540Cys; replaces serine 540 with cysteine.
Molecular consequence: missense variant. On other transcripts: non-coding transcript variant (1).
Genome position (GRCh38, 1-based): chr5:90,629,318, A>T. VCF-style: chr5-90629318-A-T. GRCh37 (hg19) VCF-style: chr5-89925135-A-T.
Other names: c.1618A>T (NM_032119.3); short protein forms S540C.
Identifiers: ClinVar variation 1429388 (VCV001429388.9), dbSNP rs200797763, ClinGen allele CA3338728.

ClinVar aggregate classification (germline): Conflicting classifications of pathogenicity. Review status: criteria provided, conflicting classifications (1 of 4 stars). 3 submissions from 3 submitters: Uncertain significance (2); Likely benign (1). Last evaluated 2025-07-08.

Allele frequency attached by ClinVar (database versions not stated): gnomAD 0.00001 and 0.00002; gnomAD exomes 0.00002 and 0.00004; TOPMed 0.00002; ExAC 0.00003; 1000 Genomes Project 30x 0.00016; 1000 Genomes Project 0.00020.
gnomAD v4.1: 12 of 1,613,618 alleles (0.00074%); highest among the groups gnomAD compares: Admixed American, 0.02%; no homozygotes.

Submissions (3):

GeneDx
Classification: Uncertain significance. Last evaluated: 2025-07-08. Review status: criteria provided, single submitter. Criteria: GeneDx Variant Classification Process June 2021. Collection method: clinical testing. Allele origin: germline. Affected: yes.
Comment: In silico analysis suggests that this missense variant does not alter protein structure/function; In silico analysis suggests this variant may impact gene splicing. In the absence of RNA/functional studies, the actual effect of this sequence change is unknown.; Has not been previously published as pathogenic or benign to our knowledge

Labcorp Genetics (formerly Invitae), Labcorp
Classification: Likely benign. Last evaluated: 2024-11-25. Review status: criteria provided, single submitter. Criteria: Invitae Variant Classification Sherloc (09022015). Collection method: clinical testing. Allele origin: germline.

Blueprint Genetics
Classification: Uncertain significance. Last evaluated: 2022-08-26. Review status: criteria provided, single submitter. Criteria: ACMG Guidelines, 2015. Collection method: clinical testing. Allele origin: germline.